The following is an entry in ClinVar:

NM_178452.6(DNAAF1):c.2024G>C (p.Ser675Thr)

Gene: DNAAF1 (dynein axonemal assembly factor 1; plus strand). Cytogenetic location: 16q24.1.
Variant type: single nucleotide variant.
Coding change: c.2024G>C on transcript NM_178452.6 (MANE Select); coding-DNA position 2024, G replaced by C.
Protein change: p.Ser675Thr; replaces serine 675 with threonine.
Molecular consequence: missense variant.
Genome position (GRCh38, 1-based): chr16:84,176,258, G>C. VCF-style: chr16-84176258-G-C. GRCh37 (hg19) VCF-style: chr16-84209864-G-C.
Other names: c.1316G>C, p.Ser439Thr (NM_001318756.1); short protein forms S675T, S439T.
Identifiers: ClinVar variation 163090 (VCV000163090.27), dbSNP rs2288023, ClinGen allele CA175692.

ClinVar aggregate classification (germline): Benign/Likely benign. Review status: criteria provided, multiple submitters, no conflicts (2 of 4 stars). 9 submissions from 9 submitters: Benign (8); Likely benign (1). Last evaluated 2026-02-04.

Conditions:
Primary ciliary dyskinesia. Also called: Ciliary dyskinesia. Identifiers: Orphanet 244, MedGen C0008780, MONDO:0016575, HP:0012265.
Primary ciliary dyskinesia 13. Also called: CILIARY DYSKINESIA, PRIMARY, 13, WITH OR WITHOUT SITUS INVERSUS. Identifiers: Orphanet 244, MedGen C2750790, MONDO:0013174, OMIM 613193.

Allele frequency attached by ClinVar (database versions not stated): 1000 Genomes Project 30x 0.26359; 1000 Genomes Project 0.26757; ESP Exome Variant Server 0.27331; gnomAD 0.28462; TOPMed 0.28720; ExAC 0.33831; gnomAD exomes 0.34528.
gnomAD v4.1: 558,113 of 1,613,384 alleles (35%); highest among the groups gnomAD compares: Admixed American, 44%; 100,057 homozygotes.

Submissions (9):

Labcorp Genetics (formerly Invitae), Labcorp
Classification: Benign for Primary ciliary dyskinesia. Last evaluated: 2026-02-04. Review status: criteria provided, single submitter. Criteria: Invitae Variant Classification Sherloc (09022015). Collection method: clinical testing. Allele origin: germline.

Blueprint Genetics
Classification: Likely benign. Last evaluated: 2024-11-27. Review status: criteria provided, single submitter. Criteria: ACMG Guidelines, 2015. Collection method: clinical testing. Allele origin: germline.

Mayo Clinic Laboratories, Mayo Clinic
Classification: Benign. Last evaluated: 2022-04-26. Review status: criteria provided, single submitter. Criteria: ACMG Guidelines, 2015. Collection method: clinical testing. Allele origin: germline. Observed: 128 variant alleles.

GeneDx
Classification: Benign. Last evaluated: 2018-11-10. Review status: criteria provided, single submitter. Criteria: GeneDx Variant Classification Process June 2021. Collection method: clinical testing. Allele origin: germline. Affected: yes.

Illumina Laboratory Services, Illumina
Classification: Benign for Primary ciliary dyskinesia 13. Last evaluated: 2018-01-13. Review status: criteria provided, single submitter. Criteria: ICSL Variant Classification Criteria 13 December 2019. Collection method: clinical testing. Allele origin: germline.
Comment: This variant was observed in the ICSL laboratory as part of a predisposition screen in an ostensibly healthy population. It had not been previously curated by ICSL or reported in the Human Gene Mutation Database (HGMD: prior to June 1st, 2018), and was therefore a candidate for classification through an automated scoring system. Utilizing variant allele frequency, disease prevalence and penetrance estimates, and inheritance mode, an automated score was calculated to assess if this variant is too frequent to cause the disease. Based on the score and internal cut-off values, a variant classified as benign is not then subjected to further curation. The score for this variant resulted in a classification of benign for this disease.

Ambry Genetics
Classification: Benign for Primary ciliary dyskinesia. Last evaluated: 2014-12-10. Review status: criteria provided, single submitter. Criteria: Ambry Variant Classification Scheme 2023. Collection method: clinical testing. Allele origin: germline.

Laboratory for Molecular Medicine, Mass General Brigham Personalized Medicine
Classification: Benign. Last evaluated: 2013-02-21. Review status: criteria provided, single submitter. Criteria: LMM Criteria. Collection method: clinical testing. Allele origin: germline. Observed: 66 variant alleles.
Comment: Ser675Thr in exon 11 of DNAAF1: This variant is not expected to have clinical si gnificance because it has been identified in 35.6% (3062/8600) of European Ameri can chromosomes from a broad population by the NHLBI Exome Sequencing Project (dbSNP rs2288023).

Breakthrough Genomics
Classification: Benign. Review status: criteria provided, single submitter. Criteria: ACMG Guidelines, 2015. Collection method: not provided. Allele origin: germline. Inheritance: Autosomal recessive inheritance. Affected: yes.

PreventionGenetics, part of Exact Sciences
Classification: Benign. Review status: criteria provided, single submitter. Criteria: ACMG Guidelines, 2015. Collection method: clinical testing. Allele origin: germline.